The following is an entry in ClinVar:

NM_004366.6(CLCN2):c.2271+1_2271+2delinsCA

Gene: CLCN2 (chloride voltage-gated channel 2; minus strand). Cytogenetic location: 3q27.1.
Variant type: Indel.
Coding change: c.2271+1_2271+2delinsCA on transcript NM_004366.6 (MANE Select); the canonical splice donor site of the intron after coding-DNA position 2271, GT replaced by CA.
Molecular consequence: splice donor variant.
Genome position (GRCh38, 1-based): chr3:184,352,441-184,352,442, AC replaced by TG on the plus strand (GT replaced by CA on the coding strand, the reverse complement: CLCN2 is on the minus strand). VCF-style: chr3-184352441-AC-TG. GRCh37 (hg19) VCF-style: chr3-184070229-AC-TG.
Other names: c.2139+1_2139+2delinsCA (NM_001171088.3); c.2220+1_2220+2delinsCA (NM_001171087.3); c.2271+1_2271+2delinsCA (NM_001171089.3).
Identifiers: ClinVar variation 2632594 (VCV002632594.1), dbSNP rs2474235576, ClinGen allele CA2695199346.

ClinVar aggregate classification (germline): Likely pathogenic (1 of 4 stars; one submission).

Conditions:
CLCN2-related disorder. Also called: CLCN2-related condition; CLCN2-related disorders.

Submission:

PreventionGenetics, part of Exact Sciences
Classification: Likely pathogenic for CLCN2-related condition. Last evaluated: 2023-05-24. Review status: criteria provided, single submitter. Criteria: ACMG Guidelines, 2015. Collection method: clinical testing. Allele origin: germline.
Comment: The CLCN2 c.2271+1_2271+2delinsCA variant is predicted to result in an in-frame deletion and insertion. To our knowledge, this variant has not been reported in the literature or in a large population database, indicating this variant is rare. This variant is interpreted as likely pathogenic.